The following is an entry in ClinVar:

ClinVar aggregate classification (germline): Uncertain significance (1 of 4 stars; one submission).

Conditions:
Alstrom syndrome (ALMS). Identifiers: Orphanet 64, MedGen C0268425, MONDO:0008763, OMIM 203800.

Submission:

Labcorp Genetics (formerly Invitae), Labcorp
Classification: Uncertain significance for Alstrom syndrome. Last evaluated: 2021-09-08. Review status: criteria provided, single submitter. Criteria: Invitae Variant Classification Sherloc (09022015). Collection method: clinical testing. Allele origin: germline.
Comment: This sequence change replaces threonine with lysine at codon 1090 of the ALMS1 protein (p.Thr1090Lys). The threonine residue is weakly conserved and there is a moderate physicochemical difference between threonine and lysine. This variant is not present in population databases (ExAC no frequency). This variant has not been reported in the literature in individuals affected with ALMS1-related conditions. ClinVar contains an entry for this variant (Variation ID: 943955). In summary, the available evidence is currently insufficient to determine the role of this variant in disease. Therefore, it has been classified as a Variant of Uncertain Significance.

NM_001378454.1(ALMS1):c.3266C>A (p.Thr1089Lys)

Gene: ALMS1 (ALMS1 centrosome and basal body associated protein; plus strand). Cytogenetic location: 2p13.1.
Variant type: single nucleotide variant.
Coding change: c.3266C>A on transcript NM_001378454.1 (MANE Select); coding-DNA position 3266, C replaced by A.
Protein change: p.Thr1089Lys; replaces threonine 1089 with lysine.
Molecular consequence: missense variant.
Genome position (GRCh38, 1-based): chr2:73,449,793, C>A. VCF-style: chr2-73449793-C-A. GRCh37 (hg19) VCF-style: chr2-73676920-C-A.
Other names: c.3269C>A, p.Thr1090Lys (NM_015120.4); short protein forms T1089K, T1090K.
Identifiers: ClinVar variation 943955 (VCV000943955.3), dbSNP rs556855697, ClinGen allele CA347274661.
Genomic context (GRCh38, chr2:73,449,793, plus strand): 5'-TACCTGAAGAGAGTCTGAAAGTTTCAGCCTTCCCTGGACCAGCTGACCAGATGACTGACA[C>A]ACCAGCAGTACCGTCTACTTTCTACTCACAAAGAGAGAAGCCTGGTATTTTCTACCAACA-3'
Protein context (NP_001365383.1, residues 1079-1099): FPGPADQMTD[Thr1089Lys]PAVPSTFYSQ